The following is an entry in ClinVar:

NM_000059.4(BRCA2):c.4082A>G (p.Gln1361Arg)

Gene: BRCA2 (BRCA2 DNA repair associated; plus strand). Cytogenetic location: 13q13.1.
Variant type: single nucleotide variant.
Coding change: c.4082A>G on transcript NM_000059.4 (MANE Select); coding-DNA position 4082, A replaced by G.
Protein change: p.Gln1361Arg; replaces glutamine 1361 with arginine.
Molecular consequence: missense variant. On other transcripts: non-coding transcript variant (1), intron variant (2).
Genome position (GRCh38, 1-based): chr13:32,338,437, A>G. VCF-style: chr13-32338437-A-G. GRCh37 (hg19) VCF-style: chr13-32912574-A-G.
Other names: c.4082A>G, p.Gln1361Arg (NM_001406719.1, NM_001406720.1, NM_001432077.1); c.1909+5050A>G (NM_001406721.1); c.425-6121A>G (NM_001406722.1); short protein forms Q1361R.
Identifiers: ClinVar variation 3481969 (VCV003481969.1).

ClinVar aggregate classification (germline): Uncertain significance (1 of 4 stars; one submission).

Conditions:
Hereditary cancer-predisposing syndrome. Also called: Tumor predisposition; Neoplastic Syndromes, Hereditary; Hereditary Cancer Syndrome; Hereditary neoplastic syndrome. Identifiers: Orphanet 140162, MedGen C0027672, MeSH D009386, MONDO:0015356.

Submission:

Ambry Genetics
Classification: Uncertain significance for Hereditary cancer-predisposing syndrome. Last evaluated: 2024-08-08. Review status: criteria provided, single submitter. Criteria: Ambry Variant Classification Scheme 2023. Collection method: clinical testing. Allele origin: germline.
Comment: The p.Q1361R variant (also known as c.4082A>G), located in coding exon 10 of the BRCA2 gene, results from an A to G substitution at nucleotide position 4082. The glutamine at codon 1361 is replaced by arginine, an amino acid with highly similar properties. This amino acid position is well conserved in available vertebrate species. In addition, this alteration is predicted to be tolerated by in silico analysis. Based on the available evidence, the clinical significance of this variant remains unclear.